The following is an entry in ClinVar:

ClinVar aggregate classification (germline): Uncertain significance (1 of 4 stars; one submission).

Allele frequency attached by ClinVar (database versions not stated): gnomAD exomes below 0.00001; ExAC 0.00002; gnomAD 0.00002; ESP Exome Variant Server 0.00008.
gnomAD v4.1: 8 of 1,603,580 alleles (0.0005%); highest among the groups gnomAD compares: African/African-American, 0.011%; no homozygotes.

Submissions (2):

Labcorp Genetics (formerly Invitae), Labcorp
Classification: Uncertain significance. Last evaluated: 2022-03-15. Review status: criteria provided, single submitter. Criteria: Invitae Variant Classification Sherloc (09022015). Collection method: clinical testing. Allele origin: germline.
Comment: In summary, the available evidence is currently insufficient to determine the role of this variant in disease. Therefore, it has been classified as a Variant of Uncertain Significance. Variants that disrupt the consensus splice site are a relatively common cause of aberrant splicing (PMID: 17576681, 9536098). Algorithms developed to predict the effect of sequence changes on RNA splicing suggest that this variant may create or strengthen a splice site. This variant has not been reported in the literature in individuals affected with DGKZ-related conditions. This variant is present in population databases (rs374731823, gnomAD 0.01%). This sequence change falls in intron 30 of the DGKZ gene. It does not directly change the encoded amino acid sequence of the DGKZ protein. It affects a nucleotide within the consensus splice site.

Dr. Peter K. Rogan Lab, Western University
No classification provided (evidence only). Condition: Familial cancer of breast. Review status: no classification provided. Collection method: in vitro. Allele origin: not applicable. Functional consequence: retained intron. Not counted in ClinVar's aggregate classification.

Literature cited by the submitters: PubMed 17576681 (cited by Labcorp Genetics (formerly Invitae), Labcorp); PubMed 9536098 (cited by Labcorp Genetics (formerly Invitae), Labcorp).

NM_001199267.2(DGKZ):c.2570+6T>G

Gene: DGKZ (diacylglycerol kinase zeta; plus strand). Cytogenetic location: 11p11.2.
Variant type: single nucleotide variant.
Coding change: c.2570+6T>G on transcript NM_001199267.2 (MANE Select); 6 bases into the intron after coding-DNA position 2570, T replaced by G.
Molecular consequence: intron variant.
Genome position (GRCh38, 1-based): chr11:46,379,242, T>G. VCF-style: chr11-46379242-T-G. GRCh37 (hg19) VCF-style: chr11-46400792-T-G.
Other names: c.2621+6T>G (NM_201532.3); c.2585+6T>G (NM_201533.3); c.2573+6T>G (NM_001199266.2, NM_003646.4); c.2504+6T>G (NM_001199268.2); c.3137+6T>G (NM_001105540.2).
Identifiers: ClinVar variation 1900441 (VCV001900441.6), dbSNP rs374731823, ClinGen allele CA5963334.